The following is an entry in ClinVar:

NM_001377.3(DYNC2H1):c.8011A>G (p.Met2671Val)

Gene: DYNC2H1 (dynein cytoplasmic 2 heavy chain 1; plus strand). Cytogenetic location: 11q22.3.
Variant type: single nucleotide variant.
Coding change: c.8011A>G on transcript NM_001377.3 (MANE Select); coding-DNA position 8011, A replaced by G.
Protein change: p.Met2671Val; replaces methionine 2671 with valine.
Molecular consequence: missense variant.
Genome position (GRCh38, 1-based): chr11:103,199,399, A>G. VCF-style: chr11-103199399-A-G. GRCh37 (hg19) VCF-style: chr11-103070128-A-G.
Other names: c.8011A>G, p.Met2671Val (NM_001080463.2); short protein forms M2671V.
Identifiers: ClinVar variation 2046451 (VCV002046451.4), dbSNP rs758032418, ClinGen allele CA382256722.
Genomic context (GRCh38, chr11:103,199,399, plus strand): 5'-CTTCTATTAGCAGGACGCAGTGGTGTAGGTCGTCGGACCATCACTTCTTTAGTCAGTCAC[A>G]TGCATGGAGCGGTCCTGTTTTCTCCAAAGATTTCCAGAGGATATGAACTGAAGCAGTTCA-3'
Protein context (NP_001368.2, residues 2661-2681): RRTITSLVSH[Met2671Val]HGAVLFSPKI

ClinVar aggregate classification (germline): Uncertain significance (1 of 4 stars; one submission).

Conditions:
Jeune thoracic dystrophy. Also called: Jeune syndrome; Infantile thoracic dystrophy; Thoracic pelvic phalangeal dystrophy; Jeune's syndrome; Chondroectodermal dysplasia-like syndrome; Short-rib thoracic dysplasia. Identifiers: Orphanet 474, MedGen C0265275, MONDO:0018770.

Submission:

Labcorp Genetics (formerly Invitae), Labcorp
Classification: Uncertain significance for Jeune thoracic dystrophy. Last evaluated: 2022-09-27. Review status: criteria provided, single submitter. Criteria: Invitae Variant Classification Sherloc (09022015). Collection method: clinical testing. Allele origin: germline.
Comment: In summary, the available evidence is currently insufficient to determine the role of this variant in disease. Therefore, it has been classified as a Variant of Uncertain Significance. Advanced modeling of protein sequence and biophysical properties (such as structural, functional, and spatial information, amino acid conservation, physicochemical variation, residue mobility, and thermodynamic stability) has been performed at Invitae for this missense variant, however the output from this modeling did not meet the statistical confidence thresholds required to predict the impact of this variant on DYNC2H1 protein function. This variant has not been reported in the literature in individuals affected with DYNC2H1-related conditions. This variant is not present in population databases (gnomAD no frequency). This sequence change replaces methionine, which is neutral and non-polar, with valine, which is neutral and non-polar, at codon 2671 of the DYNC2H1 protein (p.Met2671Val).